The following is an entry in ClinVar:

ClinVar aggregate classification (germline): Conflicting classifications of pathogenicity. Review status: criteria provided, conflicting classifications (1 of 4 stars). 4 submissions from 4 submitters: Uncertain significance (3); Likely benign (1). Last evaluated 2025-02-07.

Conditions:
Inborn genetic diseases. Identifiers: MedGen C0950123, MeSH D030342.
Pseudohypoaldosteronism type 2B (PHA2B). Also called: Pseudohypoaldosteronism Type IIB. Identifiers: Orphanet 757, Orphanet 88939, MedGen C1840390, MONDO:0013777, OMIM 614491.

Allele frequency attached by ClinVar (database versions not stated): ExAC 0.00002; TOPMed 0.00009; gnomAD 0.00011; ESP Exome Variant Server 0.00015.
gnomAD v4.1: 31 of 1,612,454 alleles (0.0019%); highest among the groups gnomAD compares: African/African-American, 0.032%; no homozygotes.

Submissions (4):

Ambry Genetics
Classification: Uncertain significance for Inborn genetic diseases. Last evaluated: 2025-02-07. Review status: criteria provided, single submitter. Criteria: Ambry Variant Classification Scheme 2023. Collection method: clinical testing. Allele origin: germline.

Women's Health and Genetics/Laboratory Corporation of America, LabCorp
Classification: Uncertain significance. Last evaluated: 2024-11-25. Review status: criteria provided, single submitter. Criteria: LabCorp Variant Classification Summary - May 2015. Collection method: clinical testing. Allele origin: germline.
Comment: Variant summary: WNK4 c.374C>G (p.Pro125Arg) results in a non-conservative amino acid change in the encoded protein sequence. Four of five in-silico tools predict a benign effect of the variant on protein function. The variant allele was found at a frequency of 2.5e-05 in 241016 control chromosomes. The available data on variant occurrences in the general population are insufficient to allow any conclusion about variant significance. To our knowledge, no occurrence of c.374C>G in individuals affected with Pseudohypoaldosteronism Type 2B and no experimental evidence demonstrating its impact on protein function have been reported. ClinVar contains an entry for this variant (Variation ID: 2065989). Based on the evidence outlined above, the variant was classified as uncertain significance.

Fulgent Genetics
Classification: Likely benign for Pseudohypoaldosteronism type 2B. Last evaluated: 2024-03-25. Review status: criteria provided, single submitter. Criteria: ACMG Guidelines, 2015. Collection method: clinical testing. Allele origin: germline.

Labcorp Genetics (formerly Invitae), Labcorp
Classification: Uncertain significance. Last evaluated: 2022-10-04. Review status: criteria provided, single submitter. Criteria: Invitae Variant Classification Sherloc (09022015). Collection method: clinical testing. Allele origin: germline.
Comment: In summary, the available evidence is currently insufficient to determine the role of this variant in disease. Therefore, it has been classified as a Variant of Uncertain Significance. Advanced modeling of protein sequence and biophysical properties (such as structural, functional, and spatial information, amino acid conservation, physicochemical variation, residue mobility, and thermodynamic stability) performed at Invitae indicates that this missense variant is not expected to disrupt WNK4 protein function. This variant has not been reported in the literature in individuals affected with WNK4-related conditions. This variant is present in population databases (rs369221665, gnomAD 0.03%). This sequence change replaces proline, which is neutral and non-polar, with arginine, which is basic and polar, at codon 125 of the WNK4 protein (p.Pro125Arg).

NM_032387.5(WNK4):c.374C>G (p.Pro125Arg)

Gene: WNK4 (WNK lysine deficient protein kinase 4; plus strand). Cytogenetic location: 17q21.2.
Variant type: single nucleotide variant.
Coding change: c.374C>G on transcript NM_032387.5 (MANE Select); coding-DNA position 374, C replaced by G.
Protein change: p.Pro125Arg; replaces proline 125 with arginine.
Molecular consequence: missense variant. On other transcripts: 5 prime UTR variant (1).
Genome position (GRCh38, 1-based): chr17:42,781,072, C>G. VCF-style: chr17-42781072-C-G. GRCh37 (hg19) VCF-style: chr17-40933090-C-G.
Other names: c.-546C>G (NM_001321299.2); c.374C>G (NM_032387.4); short protein forms P125R.
Identifiers: ClinVar variation 2065989 (VCV002065989.7), dbSNP rs369221665, ClinGen allele CA8583673.
Genomic context (GRCh38, chr17:42,781,072, plus strand): 5'-CCCCCGAGGGCACGTGGACCGAGGGAGCCCCTGTGAAGGCTGCGGAAGACTCCGCGCGTC[C>G]CGAGCTCCCGGACTCTGCAGTGGGCCCGGGGTCCAGGGAGCCGCTAAGGGTCCCTGAAGC-3'
Protein context (NP_115763.2, residues 115-135): PVKAAEDSAR[Pro125Arg]ELPDSAVGPG